The following is an entry in ClinVar:

ClinVar aggregate classification (germline): Likely pathogenic (1 of 4 stars; one submission).

Conditions:
Marfan syndrome (MFS). Also called: Marfan syndrome, classic; FBN1-Related Marfan Syndrome; Marfan syndrome type 1; Marfan's syndrome; MARFAN SYNDROME, TYPE I. Identifiers: Orphanet 284963, Orphanet 558, MedGen C0024796, MONDO:0007947, OMIM 154700.
Familial thoracic aortic aneurysm and aortic dissection (TAAD). Also called: Thoracic aortic aneurysms and dissections. Identifiers: Orphanet 91387, MedGen C4707243, MONDO:0019625.

Submission:

Labcorp Genetics (formerly Invitae), Labcorp
Classification: Likely pathogenic for Marfan syndrome; Familial thoracic aortic aneurysm and aortic dissection. Last evaluated: 2024-06-19. Review status: criteria provided, single submitter. Criteria: Invitae Variant Classification Sherloc (09022015). Collection method: clinical testing. Allele origin: germline.
Comment: This sequence change replaces glutamic acid, which is acidic and polar, with aspartic acid, which is acidic and polar, at codon 1325 of the FBN1 protein (p.Glu1325Asp). This variant is not present in population databases (gnomAD no frequency). This missense change has been observed in individual(s) with clinical features of FBN1-related conditions (Invitae). ClinVar contains an entry for this variant (Variation ID: 200031). Advanced modeling of protein sequence and biophysical properties (such as structural, functional, and spatial information, amino acid conservation, physicochemical variation, residue mobility, and thermodynamic stability) performed at Invitae indicates that this missense variant is expected to disrupt FBN1 protein function with a positive predictive value of 95%. This variant disrupts the p.Glu1325 amino acid residue in FBN1. Other variant(s) that disrupt this residue have been observed in individuals with FBN1-related conditions (PMID: 14695540; Invitae), which suggests that this may be a clinically significant amino acid residue. In summary, the currently available evidence indicates that the variant is pathogenic, but additional data are needed to prove that conclusively. Therefore, this variant has been classified as Likely Pathogenic.

Literature cited by the submitters: PubMed 14695540.

NM_000138.5(FBN1):c.3975A>C (p.Glu1325Asp)

Gene: FBN1 (fibrillin 1; minus strand). Cytogenetic location: 15q21.1.
Variant type: single nucleotide variant.
Coding change: c.3975A>C on transcript NM_000138.5 (MANE Select); coding-DNA position 3975, A replaced by C.
Protein change: p.Glu1325Asp; replaces glutamic acid 1325 with aspartic acid.
Molecular consequence: missense variant.
Genome position (GRCh38, 1-based): chr15:48,474,640, T>G on the plus strand (A>C on the coding strand, the complement: FBN1 is on the minus strand). VCF-style: chr15-48474640-T-G. GRCh37 (hg19) VCF-style: chr15-48766837-T-G.
Other names: short protein forms E1325D.
Identifiers: ClinVar variation 200031 (VCV000200031.9), dbSNP rs1555397741, ClinGen allele CA014679.